The following is an entry in ClinVar:

ClinVar aggregate classification (germline): Uncertain significance (1 of 4 stars; one submission).

Conditions:
Multiple congenital anomalies-hypotonia-seizures syndrome 3 (MCAHS3). Also called: GLYCOSYLPHOSPHATIDYLINOSITOL BIOSYNTHESIS DEFECT 7. Identifiers: Orphanet 369837, MedGen C3809356, MONDO:0014165, OMIM 615398.

gnomAD v4.1: 12 of 1,596,594 alleles (0.00075%); highest among the groups gnomAD compares: Non-Finnish European, 0.001%; no homozygotes.

Submission:

Labcorp Genetics (formerly Invitae), Labcorp
Classification: Uncertain significance for Multiple congenital anomalies-hypotonia-seizures syndrome 3. Last evaluated: 2024-05-23. Review status: criteria provided, single submitter. Criteria: Invitae Variant Classification Sherloc (09022015). Collection method: clinical testing. Allele origin: germline.
Comment: This sequence change replaces alanine, which is neutral and non-polar, with threonine, which is neutral and polar, at codon 23 of the PIGT protein (p.Ala23Thr). The frequency data for this variant in the population databases is considered unreliable, as metrics indicate poor data quality at this position in the gnomAD database. This variant has not been reported in the literature in individuals affected with PIGT-related conditions. Advanced modeling of protein sequence and biophysical properties (such as structural, functional, and spatial information, amino acid conservation, physicochemical variation, residue mobility, and thermodynamic stability) performed at Invitae indicates that this missense variant is not expected to disrupt PIGT protein function with a negative predictive value of 80%. In summary, the available evidence is currently insufficient to determine the role of this variant in disease. Therefore, it has been classified as a Variant of Uncertain Significance.

NM_015937.6(PIGT):c.67G>A (p.Ala23Thr)

Gene: PIGT (phosphatidylinositol glycan anchor biosynthesis class T; plus strand). Cytogenetic location: 20q13.12.
Variant type: single nucleotide variant.
Coding change: c.67G>A on transcript NM_015937.6 (MANE Select); coding-DNA position 67, G replaced by A.
Protein change: p.Ala23Thr; replaces alanine 23 with threonine.
Molecular consequence: missense variant. On other transcripts: non-coding transcript variant (5).
Genome position (GRCh38, 1-based): chr20:45,416,223, G>A. VCF-style: chr20-45416223-G-A. GRCh37 (hg19) VCF-style: chr20-44044863-G-A.
Other names: c.67G>A, p.Ala23Thr (NM_001184728.3, NM_001184729.3, NM_001184730.3); short protein forms A23T.
Identifiers: ClinVar variation 3703737 (VCV003703737.2).